The following is an entry in ClinVar:

ClinVar aggregate classification (germline): Pathogenic (1 of 4 stars; one submission).

Conditions:
Alstrom syndrome (ALMS). Identifiers: Orphanet 64, MedGen C0268425, MONDO:0008763, OMIM 203800.

Submission:

Labcorp Genetics (formerly Invitae), Labcorp
Classification: Pathogenic for Alstrom syndrome. Last evaluated: 2022-10-31. Review status: criteria provided, single submitter. Criteria: Invitae Variant Classification Sherloc (09022015). Collection method: clinical testing. Allele origin: germline.
Comment: For these reasons, this variant has been classified as Pathogenic. This variant has not been reported in the literature in individuals affected with ALMS1-related conditions. This variant is not present in population databases (gnomAD no frequency). This sequence change creates a premature translational stop signal (p.Lys3504Valfs*4) in the ALMS1 gene. It is expected to result in an absent or disrupted protein product. Loss-of-function variants in ALMS1 are known to be pathogenic (PMID: 17594715).

Literature cited by the submitters: PubMed 17594715.

NM_001378454.1(ALMS1):c.10507_10510del (p.Lys3503fs)

Gene: ALMS1 (ALMS1 centrosome and basal body associated protein; plus strand). Cytogenetic location: 2p13.1.
Variant type: Deletion.
Coding change: c.10507_10510del on transcript NM_001378454.1 (MANE Select); coding-DNA positions 10507 to 10510, 4 bases deleted (AAGA; older notation c.10507_10510delAAGA).
Protein change: p.Lys3503fs; shifts the reading frame from lysine 3503.
Molecular consequence: frameshift variant.
Genome position (GRCh38, 1-based): chr2:73,572,384-73,572,387, AAGA deleted; deleting any 4 consecutive bases within chr2:73,572,382-73,572,387 gives the same sequence; the c. name uses the placement nearest the transcript's 3' end. VCF-style (leftmost placement, unchanged base first): chr2-73572381-GGAAA-G. GRCh37 (hg19) VCF-style: chr2-73799508-GGAAA-G.
Other names: c.10510_10513del, p.Lys3504fs (NM_015120.4); short protein forms K3503fs, K3504fs.
Identifiers: ClinVar variation 2102274 (VCV002102274.4), dbSNP rs2466443292, ClinGen allele CA2580068165.